The following is an entry in ClinVar:

ClinVar aggregate classification (germline): Uncertain significance (1 of 4 stars; one submission).

Submission:

Labcorp Genetics (formerly Invitae), Labcorp
Classification: Uncertain significance. Last evaluated: 2024-07-13. Review status: criteria provided, single submitter. Criteria: Invitae Variant Classification Sherloc (09022015). Collection method: clinical testing. Allele origin: germline.
Comment: This sequence change replaces proline, which is neutral and non-polar, with arginine, which is basic and polar, at codon 665 of the BPTF protein (p.Pro665Arg). This variant is not present in population databases (gnomAD no frequency). This variant has not been reported in the literature in individuals affected with BPTF-related conditions. An algorithm developed to predict the effect of missense changes on protein structure and function (PolyPhen-2) suggests that this variant is likely to be tolerated. In summary, the available evidence is currently insufficient to determine the role of this variant in disease. Therefore, it has been classified as a Variant of Uncertain Significance.

NM_182641.4(BPTF):c.1864+665C>G

Gene: BPTF (bromodomain PHD finger transcription factor; plus strand). Cytogenetic location: 17q24.2.
Variant type: single nucleotide variant.
Coding change: c.1864+665C>G on transcript NM_182641.4 (MANE Select); 665 bases into the intron after coding-DNA position 1864, C replaced by G.
Molecular consequence: intron variant. On other transcripts: missense variant (1).
Genome position (GRCh38, 1-based): chr17:67,875,685, C>G. VCF-style: chr17-67875685-C-G. GRCh37 (hg19) VCF-style: chr17-65871801-C-G.
Other names: c.1994C>G, p.Pro665Arg (NM_004459.7); short protein forms P665R.
Identifiers: ClinVar variation 3672572 (VCV003672572.2).